The following is an entry in ClinVar:

GRCh38/hg38 11q25(chr11:134430682-134998513)x1

Genes: B3GAT1-DT (B3GAT1 divergent transcript; plus strand), LINC02697 (long independently transcribed non-coding RNA 2697; plus strand), LINC02706 (long independently transcribed non-coding RNA 2706; plus strand), LINC02714 (long independently transcribed non-coding RNA 2714; plus strand), LINC02717 (long independently transcribed non-coding RNA 2717; minus strand) and 8 more. Cytogenetic location: 11q25.
Variant type: copy number loss.
Change: copy number 1 (one copy instead of two) of chr11:134,430,682-134,998,513 (567.8 kb, GRCh38 coordinates, 1-based), cytogenetic band 11q25.
Identifiers: ClinVar variation 57323 (VCV000057323.1).

ClinVar aggregate classification (germline): Pathogenic (1 of 4 stars; one submission).

Submission:

ISCA site 4
Classification: Pathogenic. Last evaluated: 2011-08-12. Review status: criteria provided, single submitter. Criteria: Kaminsky et al. (Genet Med. 2011). Collection method: clinical testing. Allele origin: unknown. Affected: yes. Observed: 1 variant allele.
Comment: Copy number variation identified through the course of routine clinical cytogenomic testing in postnatal populations. Clinical assertions have been curated as described in Kaminsky et al. 2011.